The following is an entry in ClinVar:

ClinVar aggregate classification (germline): Conflicting classifications of pathogenicity. Review status: criteria provided, conflicting classifications (1 of 4 stars). 2 submissions from 2 submitters: Uncertain significance (1); Likely benign (1). Last evaluated 2023-04-28.

Conditions:
Inborn genetic diseases. Identifiers: MedGen C0950123, MeSH D030342.
Polycystic kidney disease, adult type (PKD1). Also called: POLYCYSTIC KIDNEY DISEASE 1 WITH OR WITHOUT POLYCYSTIC LIVER DISEASE; Polycystic Kidney Disease 1, Autosomal Dominant; Polycystic kidney disease 1; Polycystic kidney disease 1, severe; Polycystic Kidney, Autosomal Dominant; POLYCYSTIC KIDNEY DISEASE, ADULT, TYPE I. Identifiers: MedGen C3149841, MONDO:0008263, OMIM 173900.

Allele frequency attached by ClinVar (database versions not stated): gnomAD exomes 0.00001; gnomAD 0.00002.

Submissions (2):

Ambry Genetics
Classification: Likely benign for Inborn genetic diseases. Last evaluated: 2023-04-28. Review status: criteria provided, single submitter. Criteria: Ambry Variant Classification Scheme 2023. Collection method: clinical testing. Allele origin: germline.

Cavalleri Lab, Royal College of Surgeons in Ireland
Classification: Uncertain significance for Polycystic kidney disease, adult type. Last evaluated: 2020-02-05. Review status: criteria provided, single submitter. Criteria: ACMG Guidelines, 2015. Collection method: research. Allele origin: unknown. Inheritance: Autosomal dominant inheritance. Affected: yes.
Comment: PP3, PP4, PP5

NM_001009944.3(PKD1):c.1193C>T (p.Pro398Leu)

Gene: PKD1 (polycystin 1, transient receptor potential channel interacting; minus strand). Cytogenetic location: 16p13.3.
Variant type: single nucleotide variant.
Coding change: c.1193C>T on transcript NM_001009944.3 (MANE Select); coding-DNA position 1193, C replaced by T.
Protein change: p.Pro398Leu; replaces proline 398 with leucine.
Molecular consequence: missense variant.
Genome position (GRCh38, 1-based): chr16:2,117,799, G>A on the plus strand (C>T on the coding strand, the complement: PKD1 is on the minus strand). VCF-style: chr16-2117799-G-A. GRCh37 (hg19) VCF-style: chr16-2167800-G-A.
Other names: c.1193C>T, p.Pro398Leu (NM_000296.4); c.1193C>T (NM_000296.3); short protein forms P398L.
Identifiers: ClinVar variation 873399 (VCV000873399.3), dbSNP rs1183794501, ClinGen allele CA394392958.